The following is an entry in ClinVar:

NM_024577.4(SH3TC2):c.2263A>C (p.Thr755Pro)

Gene: SH3TC2 (SH3 domain and tetratricopeptide repeats 2; minus strand). Cytogenetic location: 5q32.
Variant type: single nucleotide variant.
Coding change: c.2263A>C on transcript NM_024577.4 (MANE Select); coding-DNA position 2263, A replaced by C.
Protein change: p.Thr755Pro; replaces threonine 755 with proline.
Molecular consequence: missense variant.
Genome position (GRCh38, 1-based): chr5:149,027,469, T>G on the plus strand (A>C on the coding strand, the complement: SH3TC2 is on the minus strand). VCF-style: chr5-149027469-T-G. GRCh37 (hg19) VCF-style: chr5-148407032-T-G.
Other names: short protein forms T755P.
Identifiers: ClinVar variation 573905 (VCV000573905.8), dbSNP rs1332446150, ClinGen allele CA361666736.

ClinVar aggregate classification (germline): Uncertain significance (1 of 4 stars; one submission).

Conditions:
Charcot-Marie-Tooth disease type 4. Also called: Charcot-Marie-Tooth disease, type IV; Charcot-Marie-Tooth, Type 4. Identifiers: Orphanet 64749, MedGen C4082197, MONDO:0018995.

Submission:

Labcorp Genetics (formerly Invitae), Labcorp
Classification: Uncertain significance for Charcot-Marie-Tooth disease type 4. Last evaluated: 2018-03-13. Review status: criteria provided, single submitter. Criteria: Invitae Variant Classification Sherloc (09022015). Collection method: clinical testing. Allele origin: germline.
Comment: In summary, the available evidence is currently insufficient to determine the role of this variant in disease. Therefore, it has been classified as a Variant of Uncertain Significance. Algorithms developed to predict the effect of missense changes on protein structure and function do not agree on the potential impact of this missense change (SIFT: "Tolerated"; PolyPhen-2: "Possibly Damaging"; Align-GVGD: "Class C0"). This variant has not been reported in the literature in individuals with SH3TC2-related disease. This variant is not present in population databases (ExAC no frequency). This sequence change replaces threonine with proline at codon 755 of the SH3TC2 protein (p.Thr755Pro). The threonine residue is moderately conserved and there is a small physicochemical difference between threonine and proline.